The following is an entry in ClinVar:

NM_000719.7(CACNA1C):c.4004G>A (p.Arg1335His)

Gene: CACNA1C (calcium voltage-gated channel subunit alpha1 C; plus strand). Cytogenetic location: 12p13.33.
Variant type: single nucleotide variant.
Coding change: c.4004G>A on transcript NM_000719.7 (MANE Select); coding-DNA position 4004, G replaced by A.
Protein change: p.Arg1335His; replaces arginine 1335 with histidine.
Molecular consequence: missense variant.
Genome position (GRCh38, 1-based): chr12:2,651,698, G>A. VCF-style: chr12-2651698-G-A. GRCh37 (hg19) VCF-style: chr12-2760864-G-A.
Other names: c.4148G>A, p.Arg1383His (NM_001129827.2, NM_199460.4); c.4070G>A, p.Arg1357His (NM_001129829.2); c.4004G>A, p.Arg1335His (NM_001129830.3, NM_001129833.2, NM_001129834.2 and 7 more transcripts); c.4088G>A, p.Arg1363His (NM_001129831.2); c.4064G>A, p.Arg1355His (NM_001129832.2); c.4055G>A, p.Arg1352His (NM_001129836.2); c.3971G>A, p.Arg1324His (NM_001129837.2, NM_001129838.2, NM_001129846.2 and 1 more transcripts); c.3965G>A, p.Arg1322His (NM_001129839.2); and 1 more; short protein forms R1322H, R1324H, R1332H, R1335H, R1352H, R1355H, R1357H, R1363H.
Identifiers: ClinVar variation 4879227 (VCV004879227.1).

ClinVar aggregate classification (germline): Uncertain significance (1 of 4 stars; one submission).

Conditions:
Long QT syndrome 8. Identifiers: MedGen CN260585, MONDO:0032756, OMIM 618447.
Neurodevelopmental disorder with hypotonia, language delay, and skeletal defects with or without seizures (NEDHLSS). Identifiers: MedGen C5774213, MONDO:0859286, OMIM 620029.
Timothy syndrome (TS). Also called: LONG QT SYNDROME WITH SYNDACTYLY. Identifiers: Orphanet 65283, MedGen C1832916, MeSH C536962, MONDO:0010979, OMIM 601005.
Brugada syndrome 3 (BRGDA3). Identifiers: Orphanet 130, MedGen C2678478, MONDO:0012742, OMIM 611875.

Submission:

Clinical Genomics Laboratory, Washington University in St. Louis
Classification: Uncertain significance for Neurodevelopmental disorder with hypotonia, language delay, and skeletal defects with or without seizures; Timothy syndrome; Brugada syndrome 3; Long QT syndrome 8. Last evaluated: 2026-01-29. Review status: criteria provided, single submitter. Criteria: ACMG Guidelines, 2015. Collection method: clinical testing. Allele origin: germline.
Comment: The CACNA1C c.4004G>A (p.Arg1335His) variant, to our knowledge, has not been reported in the medical literature. This variant is absent from the general population (gnomAD v2.1.1), indicating it is not a common variant. Computational predictors indicate that the variant is damaging, evidence that correlates with impact to CACNA1C function. Due to limited information, and based on ACMG/AMP guidelines for variant interpretation (Richards S et al., PMID: 25741868), the clinical significance of this variant is uncertain at this time.